The following is an entry in ClinVar:

NM_024312.5(GNPTAB):c.2363T>A (p.Leu788Ter)

Gene: GNPTAB (N-acetylglucosamine-1-phosphate transferase subunits alpha and beta; minus strand). Cytogenetic location: 12q23.2.
Variant type: single nucleotide variant.
Coding change: c.2363T>A on transcript NM_024312.5 (MANE Select); coding-DNA position 2363, T replaced by A.
Protein change: p.Leu788Ter; replaces leucine 788 with a stop codon.
Molecular consequence: nonsense.
Genome position (GRCh38, 1-based): chr12:101,764,554, A>T on the plus strand (T>A on the coding strand, the complement: GNPTAB is on the minus strand). VCF-style: chr12-101764554-A-T. GRCh37 (hg19) VCF-style: chr12-102158332-A-T.
Other names: c.2363T>A (NM_024312.4); short protein forms L788*.
Identifiers: ClinVar variation 2934169 (VCV002934169.5), dbSNP rs2547956980, ClinGen allele CA386298408.

ClinVar aggregate classification (germline): Pathogenic/Likely pathogenic. Review status: criteria provided, multiple submitters, no conflicts (2 of 4 stars). 3 submissions from 3 submitters: Pathogenic (2); Likely pathogenic (1). Last evaluated 2025-10-10.

Conditions:
Mucolipidosis type II. Also called: ML II ALPHA/BETA; Mucolipidosis II Alpha/Beta; Mucolipidosis 2; ML 2; Inclusion cell disease; Leroy Disease. Identifiers: Orphanet 576, MedGen C2673377, MONDO:0009650, OMIM 252500.
Pseudo-Hurler polydystrophy. Also called: ML III; ML III ALPHA/BETA; MUCOLIPIDOSIS IIIA; Type III Mucolipidosis; ML IIIA; Mucolipidosis III Alpha/Beta. Identifiers: Orphanet 423461, Orphanet 577, MedGen C0033788, MONDO:0018931, OMIM 252600.
GNPTAB-mucolipidosis. Also called: UDP-N-acetylglucosamine-1-phosphotransferase subunit alpha/beta deficiency. Identifiers: MedGen CN322573, MONDO:0100122.

Submissions (3):

Natera, Inc.
Classification: Likely pathogenic for Mucolipidosis type II. Last evaluated: 2025-10-10. Review status: criteria provided, single submitter. Criteria: Natera Variant Classification Schema (03/2026). Collection method: clinical testing. Allele origin: germline.
Comment: The c.2363T>A variant in GNPTAB is a nonsense variant predicted to introduce a stop codon at amino acid 788. This variant is expected to result in nonsense mediated decay, truncation, or a dysfunctional protein product. This variant is rare in the general population with a frequency below the threshold expected for the associated phenotype(s). Given the available evidence, this variant is classified as Likely Pathogenic.

Myriad Genetics, Inc.
Classification: Pathogenic for GNPTAB-mucolipidosis. Last evaluated: 2023-12-26. Review status: criteria provided, single submitter. Criteria: Myriad Autosomal Dominant, Autosomal Recessive and X-Linked Classification Criteria (2023). Collection method: clinical testing. Allele origin: unknown.
Comment: NM_024312.4(GNPTAB):c.2363T>A(L788*) is expected to be pathogenic in the context of GNPTAB-related disorders. This variant is predicted to lead to an abnormal or absent protein product due to the creation of a premature termination codon in GNPTAB, a gene where loss-of-function variants are known to be pathogenic. Please note: this variant was assessed in the context of healthy population screening.

Labcorp Genetics (formerly Invitae), Labcorp
Classification: Pathogenic for Pseudo-Hurler polydystrophy; Mucolipidosis type II. Last evaluated: 2023-11-15. Review status: criteria provided, single submitter. Criteria: Invitae Variant Classification Sherloc (09022015). Collection method: clinical testing. Allele origin: germline.
Comment: This sequence change creates a premature translational stop signal (p.Leu788*) in the GNPTAB gene. It is expected to result in an absent or disrupted protein product. Loss-of-function variants in GNPTAB are known to be pathogenic (PMID: 19617216, 25107912). This variant is not present in population databases (gnomAD no frequency). This variant has not been reported in the literature in individuals affected with GNPTAB-related conditions. For these reasons, this variant has been classified as Pathogenic.

Literature cited by the submitters: PubMed 19617216 (cited by Labcorp Genetics (formerly Invitae), Labcorp); PubMed 25107912 (cited by Labcorp Genetics (formerly Invitae), Labcorp).